The following is an entry in ClinVar:

ClinVar aggregate classification (germline): Uncertain significance (1 of 4 stars; one submission).

Conditions:
Fanconi anemia complementation group E (FANCE). Also called: FANCE-Related Fanconi Anemia. Identifiers: Orphanet 84, MedGen C3160739, MONDO:0010953, OMIM 600901.

Submission:

Labcorp Genetics (formerly Invitae), Labcorp
Classification: Uncertain significance for Fanconi anemia complementation group E. Last evaluated: 2024-05-26. Review status: criteria provided, single submitter. Criteria: Invitae Variant Classification Sherloc (09022015). Collection method: clinical testing. Allele origin: germline.
Comment: This sequence change replaces aspartic acid, which is acidic and polar, with glutamic acid, which is acidic and polar, at codon 185 of the FANCE protein (p.Asp185Glu). This variant is not present in population databases (gnomAD no frequency). This variant has not been reported in the literature in individuals affected with FANCE-related conditions. Advanced modeling of protein sequence and biophysical properties (such as structural, functional, and spatial information, amino acid conservation, physicochemical variation, residue mobility, and thermodynamic stability) performed at Invitae indicates that this missense variant is not expected to disrupt FANCE protein function with a negative predictive value of 80%. In summary, the available evidence is currently insufficient to determine the role of this variant in disease. Therefore, it has been classified as a Variant of Uncertain Significance.

NM_021922.3(FANCE):c.555C>A (p.Asp185Glu)

Gene: FANCE (FA complementation group E; plus strand). Cytogenetic location: 6p21.31.
Variant type: single nucleotide variant.
Coding change: c.555C>A on transcript NM_021922.3 (MANE Select); coding-DNA position 555, C replaced by A.
Protein change: p.Asp185Glu; replaces aspartic acid 185 with glutamic acid.
Molecular consequence: missense variant.
Genome position (GRCh38, 1-based): chr6:35,456,053, C>A. VCF-style: chr6-35456053-C-A. GRCh37 (hg19) VCF-style: chr6-35423830-C-A.
Other names: c.555C>A, p.Asp185Glu (NM_001410876.1); short protein forms D185E.
Identifiers: ClinVar variation 3624326 (VCV003624326.2).
Genomic context (GRCh38, chr6:35,456,053, plus strand): 5'-AAGTCTATGTAGGGGGCTGGGCCTGGGGGGCAGGAGGTTGAAATCCCCCCAGGCTCCAGA[C>A]CCTGAAGAAGAGGAGAACAGGGACTCCCAGCAGCCTGGGAAACGCAGAAAGGACTCAGAG-3'
Protein context (NP_068741.1, residues 175-195): GRRLKSPQAP[Asp185Glu]PEEEENRDSQ